The following is an entry in ClinVar:

ClinVar aggregate classification (germline): Benign. Review status: criteria provided, multiple submitters, no conflicts (2 of 4 stars). 4 submissions from 3 submitters: Benign (4). Last evaluated 2018-01-13.

Conditions:
Junctional epidermolysis bullosa gravis of Herlitz. Also called: EPIDERMOLYSIS BULLOSA JUNCTIONALIS, HERLITZ TYPE; EPIDERMOLYSIS BULLOSA, JUNCTIONAL, HERLITZ-PEARSON TYPE; JEB-HERLITZ TYPE; Epidermolysis Bullosa Letalis; Herlitz-type junctional epidermolysis bullosa; EPIDERMOLYSIS BULLOSA, JUNCTIONAL 1B, SEVERE. Identifiers: Orphanet 79404, MedGen C0079683, MONDO:0009182, OMIM 226700.
Laryngo-onycho-cutaneous syndrome (JEB2C). Also called: LOGIC SYNDROME; EPIDERMOLYSIS BULLOSA, JUNCTIONAL 2C, LARYNGOONYCHOCUTANEOUS; SHABBIR SYNDROME. Identifiers: Orphanet 2407, MedGen C1328355, MONDO:0009513, OMIM 245660.

Allele frequency attached by ClinVar (database versions not stated): 1000 Genomes Project 0.35962; 1000 Genomes Project 30x 0.36040; TOPMed 0.49294; gnomAD 0.51103 and 0.51640; gnomAD exomes 0.61610.
gnomAD v4.1: 807,959 of 1,338,640 alleles (60%); highest among the groups gnomAD compares: Non-Finnish European, 68%; 259,370 homozygotes.

Submissions (4):

Illumina Laboratory Services, Illumina
Classification: Benign for Laryngo-onycho-cutaneous syndrome. Last evaluated: 2018-01-13. Review status: criteria provided, single submitter. Criteria: ICSL Variant Classification Criteria 13 December 2019. Collection method: clinical testing. Allele origin: germline.
Comment: This variant was observed in the ICSL laboratory as part of a predisposition screen in an ostensibly healthy population. It had not been previously curated by ICSL or reported in the Human Gene Mutation Database (HGMD: prior to June 1st, 2018), and was therefore a candidate for classification through an automated scoring system. Utilizing variant allele frequency, disease prevalence and penetrance estimates, and inheritance mode, an automated score was calculated to assess if this variant is too frequent to cause the disease. Based on the score and internal cut-off values, a variant classified as benign is not then subjected to further curation. The score for this variant resulted in a classification of benign for this disease.

Illumina Laboratory Services, Illumina
Classification: Benign for Junctional epidermolysis bullosa gravis of Herlitz. Last evaluated: 2018-01-13. Review status: criteria provided, single submitter. Criteria: ICSL Variant Classification Criteria 13 December 2019. Collection method: clinical testing. Allele origin: germline.
Comment: the same text as in the submission from Illumina Laboratory Services, Illumina above.

GeneDx
Classification: Benign. Last evaluated: 2015-03-03. Review status: criteria provided, single submitter. Criteria: GeneDx Variant Classification Process June 2021. Collection method: clinical testing. Allele origin: germline. Affected: yes.

Breakthrough Genomics
Classification: Benign. Review status: criteria provided, single submitter. Criteria: ACMG Guidelines, 2015. Collection method: not provided. Allele origin: germline. Inheritance: Autosomal recessive inheritance. Affected: yes.

NM_198129.4(LAMA3):c.*91C>T

Gene: LAMA3 (laminin subunit alpha 3; plus strand). Cytogenetic location: 18q11.2.
Variant type: single nucleotide variant.
Coding change: c.*91C>T on transcript NM_198129.4 (MANE Select); 91 bases downstream of the stop codon, C replaced by T.
Molecular consequence: 3 prime UTR variant.
Genome position (GRCh38, 1-based): chr18:23,954,739, C>T. VCF-style: chr18-23954739-C-T. GRCh37 (hg19) VCF-style: chr18-21534703-C-T.
Other names: c.*91C>T (NM_000227.6, NM_001127717.4, NM_001127718.4).
Identifiers: ClinVar variation 326353 (VCV000326353.8), dbSNP rs1051150, ClinGen allele CA10650630.
Genomic context (GRCh38, chr18:23,954,739, plus strand): 5'-CCTTCAAAAGCACTGATTACCCAATGCACCTCCCTCCCCAGCTCGAGATCATTCTTCACT[C>T]AGGACACAAACCAGACAGGTTTAATAGCGAATCTAATTTTGAATTCTGACCATGGATACC-3'